The following is an entry in ClinVar:

ClinVar aggregate classification (germline): Uncertain significance (1 of 4 stars; one submission).

Conditions:
Hereditary cancer-predisposing syndrome. Also called: Tumor predisposition; Hereditary Cancer Syndrome; Hereditary neoplastic syndrome; Neoplastic Syndromes, Hereditary. Identifiers: Orphanet 140162, MedGen C0027672, MeSH D009386, MONDO:0015356.

Submission:

Ambry Genetics
Classification: Uncertain significance for Hereditary cancer-predisposing syndrome. Last evaluated: 2024-04-15. Review status: criteria provided, single submitter. Criteria: Ambry Variant Classification Scheme 2023. Collection method: clinical testing. Allele origin: germline.
Comment: The p.T85A variant (also known as c.253A>G), located in coding exon 2 of the FH gene, results from an A to G substitution at nucleotide position 253. The threonine at codon 85 is replaced by alanine, an amino acid with similar properties. This amino acid position is conserved. In addition, the in silico prediction for this alteration is inconclusive. Based on the available evidence, the clinical significance of this variant remains unclear.

NM_000143.4(FH):c.253A>G (p.Thr85Ala)

Gene: FH (fumarate hydratase; minus strand). Cytogenetic location: 1q43.
Variant type: single nucleotide variant.
Coding change: c.253A>G on transcript NM_000143.4 (MANE Select); coding-DNA position 253, A replaced by G.
Protein change: p.Thr85Ala; replaces threonine 85 with alanine.
Molecular consequence: missense variant.
Genome position (GRCh38, 1-based): chr1:241,517,196, T>C on the plus strand (A>G on the coding strand, the complement: FH is on the minus strand). VCF-style: chr1-241517196-T-C. GRCh37 (hg19) VCF-style: chr1-241680496-T-C.
Other names: short protein forms T85A.
Identifiers: ClinVar variation 3278735 (VCV003278735.1).